The following is an entry in ClinVar:

NM_002907.4(RECQL):c.380C>T (p.Ala127Val)

Gene: RECQL (RecQ like helicase; minus strand). Cytogenetic location: 12p12.1.
Variant type: single nucleotide variant.
Coding change: c.380C>T on transcript NM_002907.4 (MANE Select); coding-DNA position 380, C replaced by T.
Protein change: p.Ala127Val; replaces alanine 127 with valine.
Molecular consequence: missense variant.
Genome position (GRCh38, 1-based): chr12:21,490,213, G>A on the plus strand (C>T on the coding strand, the complement: RECQL is on the minus strand). VCF-style: chr12-21490213-G-A. GRCh37 (hg19) VCF-style: chr12-21643147-G-A.
Other names: c.380C>T, p.Ala127Val (NM_032941.3); short protein forms A127V.
Identifiers: ClinVar variation 1735135 (VCV001735135.2), dbSNP rs2540399087, ClinGen allele CA384132175.

ClinVar aggregate classification (germline): Uncertain significance (1 of 4 stars; one submission).

Submission:

Ambry Genetics
Classification: Uncertain significance. Last evaluated: 2022-01-26. Review status: criteria provided, single submitter. Criteria: Ambry Variant Classification Scheme 2023. Collection method: clinical testing. Allele origin: germline.
Comment: The p.A127V variant (also known as c.380C>T), located in coding exon 3 of the RECQL gene, results from a C to T substitution at nucleotide position 380. The alanine at codon 127 is replaced by valine, an amino acid with similar properties. This amino acid position is conserved. In addition, the in silico prediction for this alteration is inconclusive. Since supporting evidence is limited at this time, the clinical significance of this alteration remains unclear.